The following is an entry in ClinVar:

ClinVar aggregate classification (germline): Uncertain significance (1 of 4 stars; one submission).

Allele frequency attached by ClinVar (database versions not stated): gnomAD exomes below 0.00001; ExAC 0.00001; gnomAD 0.00001; TOPMed 0.00001.
gnomAD v4.1: 4 of 1,611,230 alleles (0.00025%); highest among the groups gnomAD compares: Non-Finnish European, 0.00034%; no homozygotes.

Submission:

Labcorp Genetics (formerly Invitae), Labcorp
Classification: Uncertain significance. Last evaluated: 2022-10-21. Review status: criteria provided, single submitter. Criteria: Invitae Variant Classification Sherloc (09022015). Collection method: clinical testing. Allele origin: germline.
Comment: This variant has not been reported in the literature in individuals affected with IFT88-related conditions. In summary, the available evidence is currently insufficient to determine the role of this variant in disease. Therefore, it has been classified as a Variant of Uncertain Significance. Algorithms developed to predict the effect of missense changes on protein structure and function are either unavailable or do not agree on the potential impact of this missense change (SIFT: "Not Available"; PolyPhen-2: "Benign"; Align-GVGD: "Not Available"). This variant is present in population databases (rs747457589, gnomAD 0.0009%). This sequence change replaces glutamine, which is neutral and polar, with arginine, which is basic and polar, at codon 127 of the IFT88 protein (p.Gln127Arg).

NM_006531.5(IFT88):c.353A>G (p.Gln118Arg)

Gene: IFT88 (intraflagellar transport 88; plus strand). Cytogenetic location: 13q12.11.
Variant type: single nucleotide variant.
Coding change: c.353A>G on transcript NM_006531.5 (MANE Select); coding-DNA position 353, A replaced by G.
Protein change: p.Gln118Arg; replaces glutamine 118 with arginine.
Molecular consequence: missense variant. On other transcripts: non-coding transcript variant (5), intron variant (1).
Genome position (GRCh38, 1-based): chr13:20,592,359, A>G. VCF-style: chr13-20592359-A-G. GRCh37 (hg19) VCF-style: chr13-21166498-A-G.
Other names: c.296A>G, p.Gln99Arg (NM_001318491.2, NM_001353573.2, NM_001353574.2 and 1 more transcripts); c.380A>G, p.Gln127Arg (NM_001318493.2, NM_001353565.2, NM_001353566.2 and 6 more transcripts); c.353A>G, p.Gln118Arg (NM_001353568.2, NM_001353571.2, NM_001353572.2 and 1 more transcripts); c.-236+678A>G (NM_001353579.2); short protein forms Q118R, Q99R, Q127R.
Identifiers: ClinVar variation 1928187 (VCV001928187.5), dbSNP rs747457589, ClinGen allele CA6905053.